The following is an entry in ClinVar:

ClinVar aggregate classification (germline): Uncertain significance (1 of 4 stars; one submission).

Conditions:
Mucopolysaccharidosis, MPS-IV-A (MPS4A). Also called: MPS IVA; GALACTOSAMINE-6-SULFATASE DEFICIENCY; GALNS DEFICIENCY; MORQUIO A DISEASE; Morquio syndrome A, mild; MORQUIO SYNDROME A. Identifiers: Orphanet 309297, Orphanet 582, MedGen C0086651, MONDO:0009659, OMIM 253000.

Submission:

Labcorp Genetics (formerly Invitae), Labcorp
Classification: Uncertain significance for Mucopolysaccharidosis, MPS-IV-A. Last evaluated: 2022-08-31. Review status: criteria provided, single submitter. Criteria: Invitae Variant Classification Sherloc (09022015). Collection method: clinical testing. Allele origin: germline.
Comment: In summary, the available evidence is currently insufficient to determine the role of this variant in disease. Therefore, it has been classified as a Variant of Uncertain Significance. Algorithms developed to predict the effect of sequence changes on RNA splicing suggest that this variant may disrupt the consensus splice site. ClinVar contains an entry for this variant (Variation ID: 1505181). This variant has not been reported in the literature in individuals affected with GALNS-related conditions. This variant is not present in population databases (gnomAD no frequency). This sequence change falls in intron 6 of the GALNS gene. It does not directly change the encoded amino acid sequence of the GALNS protein.

NM_000512.5(GALNS):c.634-5C>G

Gene: GALNS (galactosamine (N-acetyl)-6-sulfatase; minus strand). Cytogenetic location: 16q24.3.
Variant type: single nucleotide variant.
Coding change: c.634-5C>G on transcript NM_000512.5 (MANE Select); 5 bases into the intron before coding-DNA position 634, C replaced by G.
Molecular consequence: intron variant.
Genome position (GRCh38, 1-based): chr16:88,835,854, G>C on the plus strand (C>G on the coding strand, the complement: GALNS is on the minus strand). VCF-style: chr16-88835854-G-C. GRCh37 (hg19) VCF-style: chr16-88902262-G-C.
Other names: c.79-5C>G (NM_001323543.2); c.652-5C>G (NM_001323544.2).
Identifiers: ClinVar variation 1505181 (VCV001505181.8), dbSNP rs1354095513, ClinGen allele CA2573152754.